The following is an entry in ClinVar:

NM_004855.5(PIGB):c.1211G>C (p.Gly404Ala)

Gene: PIGB (phosphatidylinositol glycan anchor biosynthesis class B; plus strand). Cytogenetic location: 15q21.3.
Variant type: single nucleotide variant.
Coding change: c.1211G>C on transcript NM_004855.5 (MANE Select); coding-DNA position 1211, G replaced by C.
Protein change: p.Gly404Ala; replaces glycine 404 with alanine.
Molecular consequence: missense variant.
Genome position (GRCh38, 1-based): chr15:55,350,786, G>C. VCF-style: chr15-55350786-G-C. GRCh37 (hg19) VCF-style: chr15-55642984-G-C.
Other names: short protein forms G404A.
Identifiers: ClinVar variation 5042027 (VCV005042027.1).

ClinVar aggregate classification (germline): Uncertain significance (1 of 4 stars; one submission).

Conditions:
Developmental and epileptic encephalopathy, 80. Also called: EPILEPTIC ENCEPHALOPATHY, EARLY INFANTILE, 80; GLYCOSYLPHOSPHATIDYLINOSITOL BIOSYNTHESIS DEFECT 20. Identifiers: MedGen C5231418, MONDO:0032822, OMIM 618580.

gnomAD v4.1: 7 of 1,612,786 alleles (0.00043%); highest among the groups gnomAD compares: Admixed American, 0.0017%; no homozygotes.

Submission:

Clinical Genetics Laboratory, University Hospital Schleswig-Holstein
Classification: Uncertain significance for Developmental and epileptic encephalopathy, 80. Last evaluated: 2025-03-04. Review status: criteria provided, single submitter. Criteria: ACMG Guidelines, 2015. Collection method: clinical testing. Allele origin: maternal. Affected: yes. Observed: 1 heterozygote.
Comment: ACMG criteria applied: PM2, PP3, PM3